The following is an entry in ClinVar:

NM_001042492.3(NF1):c.4049T>A (p.Ile1350Asn)

Gene: NF1 (neurofibromin 1; plus strand). Cytogenetic location: 17q11.2.
Variant type: single nucleotide variant.
Coding change: c.4049T>A on transcript NM_001042492.3 (MANE Select); coding-DNA position 4049, T replaced by A.
Protein change: p.Ile1350Asn; replaces isoleucine 1350 with asparagine.
Molecular consequence: missense variant.
Genome position (GRCh38, 1-based): chr17:31,249,058, T>A. VCF-style: chr17-31249058-T-A. GRCh37 (hg19) VCF-style: chr17-29576076-T-A.
Other names: c.4049T>A, p.Ile1350Asn (NM_000267.4); short protein forms I1350N.
Identifiers: ClinVar variation 2452319 (VCV002452319.3), dbSNP rs2067449846, ClinGen allele CA398994973.
Genomic context (GRCh38, chr17:31,249,058, plus strand): 5'-AGAGCCTTGAGGAAAACCAGCGGAACCTCCTTCAGATGACTGAAAAGTTCTTCCATGCCA[T>A]CATCAGTTCCTCCTCAGAATTCCCCCCTCAACTTCGAAGTGTGTGCCACTGTTTATACCA-3'
Protein context (NP_001035957.1, residues 1340-1360): LQMTEKFFHA[Ile1350Asn]ISSSSEFPPQ

ClinVar aggregate classification (germline): Uncertain significance (1 of 4 stars; one submission).

Conditions:
Hereditary cancer-predisposing syndrome. Also called: Hereditary Cancer Syndrome; Hereditary neoplastic syndrome; Neoplastic Syndromes, Hereditary; Tumor predisposition. Identifiers: Orphanet 140162, MedGen C0027672, MeSH D009386, MONDO:0015356.
Cardiovascular phenotype. Identifiers: MedGen CN230736.

Submission:

Ambry Genetics
Classification: Uncertain significance for Cardiovascular phenotype; Hereditary cancer-predisposing syndrome. Last evaluated: 2026-09-08. Review status: criteria provided, single submitter. Criteria: Ambry Variant Classification Scheme 2023. Collection method: clinical testing. Allele origin: germline.
Comment: The p.I1350N variant (also known as c.4049T>A), located in coding exon 30 of the NF1 gene, results from a T to A substitution at nucleotide position 4049. The isoleucine at codon 1350 is replaced by asparagine, an amino acid with dissimilar properties. This amino acid position is highly conserved in available vertebrate species. In addition, this alteration is predicted to be deleterious by in silico analysis. Based on the available evidence, the clinical significance of this variant remains unclear.